The following is an entry in ClinVar:

NM_001374623.1(PNPLA1):c.646T>C (p.Cys216Arg)

Gene: PNPLA1 (patatin like domain 1, omega-hydroxyceramide transacylase; plus strand). Cytogenetic location: 6p21.31.
Variant type: single nucleotide variant.
Coding change: c.646T>C on transcript NM_001374623.1 (MANE Select); coding-DNA position 646, T replaced by C.
Protein change: p.Cys216Arg; replaces cysteine 216 with arginine.
Molecular consequence: missense variant.
Genome position (GRCh38, 1-based): chr6:36,294,331, T>C. VCF-style: chr6-36294331-T-C. GRCh37 (hg19) VCF-style: chr6-36262108-T-C.
Other names: c.646T>C, p.Cys216Arg (NM_001145717.1); c.388T>C, p.Cys130Arg (NM_001145716.2); c.361T>C, p.Cys121Arg (NM_173676.2); short protein forms C121R, C216R, C130R.
Identifiers: ClinVar variation 451071 (VCV000451071.5), dbSNP rs1554138062, ClinGen allele CA363813785.

ClinVar aggregate classification (germline): Pathogenic/Likely pathogenic. Review status: criteria provided, multiple submitters, no conflicts (2 of 4 stars). 4 submissions from 4 submitters: Pathogenic (1); Likely pathogenic (1). 2 of the submissions do not count toward it. Last evaluated 2024-09-16.

Conditions:
Autosomal recessive congenital ichthyosis 10 (ARCI10). Identifiers: Orphanet 79394, MedGen C3554355, MONDO:0014011, OMIM 615024.
Lamellar ichthyosis. Identifiers: Orphanet 313, MedGen C5848247, MONDO:0017778.
Congenital ichthyosiform erythroderma. Identifiers: MedGen C0079583, HP:0007431.

Submissions (4):

Women's Health and Genetics/Laboratory Corporation of America, LabCorp
Classification: Pathogenic for Lamellar ichthyosis. Last evaluated: 2024-09-16. Review status: criteria provided, single submitter. Criteria: LabCorp Variant Classification Summary - May 2015. Collection method: clinical testing. Allele origin: germline.
Comment: Variant summary: PNPLA1 c.646T>C (p.Cys216Arg) results in a non-conservative amino acid change in the encoded protein sequence. Three of five in-silico tools predict a benign effect of the variant on protein function. The variant was absent in 251452 control chromosomes. c.646T>C has been reported in the literature in multiple individuals affected with Lamellar Ichthyosis (example: Boyden_2017). These data indicate that the variant is very likely to be associated with disease. The following publication has been ascertained in the context of this evaluation (PMID: 28403545). ClinVar contains an entry for this variant (Variation ID: 451071). Based on the evidence outlined above, the variant was classified as pathogenic.

GeneDx
Classification: Likely pathogenic. Last evaluated: 2018-12-07. Review status: criteria provided, single submitter. Criteria: GeneDx Variant Classification (06012015). Collection method: clinical testing. Allele origin: germline. Affected: yes.
Comment: The C216R variant has been published as a pathogenic variant in consanguineous family with autosomal recessive congenital ichthyosis (Boyden et al., 2017). The C216R variant is not observed in large population cohorts (Lek et al., 2016; 1000 Genomes Consortium et al., 2015; Exome Variant Server). The C216R variant is a non-conservative amino acid substitution, which is likely to impact secondary protein structure as these residues differ in polarity, charge, size and/or other properties. This substitution occurs at a position that is not conserved. In silico analysis is inconsistent in its predictions as to whether or not the variant is damaging to the protein structure/function.

OMIM
Classification: Pathogenic for ICHTHYOSIS, CONGENITAL, AUTOSOMAL RECESSIVE 10. Last evaluated: 2019-06-10. Review status: no assertion criteria provided. Collection method: literature only. Allele origin: germline. Not counted in ClinVar's aggregate classification.

Yale Center for Mendelian Genomics, Yale University
Classification: Pathogenic for Congenital ichthyosis. Last evaluated: 2017-06-07. Review status: no assertion criteria provided. Collection method: literature only. Allele origin: de novo. Affected: yes. Observed: 3 homozygotes. Not counted in ClinVar's aggregate classification.

Literature cited by the submitters: PubMed 28403545 (cited by 3 submitters).